The following is an entry in ClinVar:

NM_001142800.2(EYS):c.2000G>T (p.Arg667Leu)

Gene: EYS (EGF-like photoreceptor maintenance factor; minus strand). Cytogenetic location: 6q12.
Variant type: single nucleotide variant.
Coding change: c.2000G>T on transcript NM_001142800.2 (MANE Select); coding-DNA position 2000, G replaced by T.
Protein change: p.Arg667Leu; replaces arginine 667 with leucine.
Molecular consequence: missense variant.
Genome position (GRCh38, 1-based): chr6:65,295,886, C>A on the plus strand (G>T on the coding strand, the complement: EYS is on the minus strand). VCF-style: chr6-65295886-C-A. GRCh37 (hg19) VCF-style: chr6-66005779-C-A.
Other names: c.2000G>T, p.Arg667Leu (NM_001292009.2); short protein forms R667L.
Identifiers: ClinVar variation 357737 (VCV000357737.7), dbSNP rs549456693, ClinGen allele CA3877354.

ClinVar aggregate classification (germline): Uncertain significance. Review status: criteria provided, multiple submitters, no conflicts (2 of 4 stars). 2 submissions from 2 submitters: Uncertain significance (2). Last evaluated 2022-02-10.

Conditions:
Retinitis pigmentosa (RP). Identifiers: Orphanet 791, MedGen C0035334, MeSH D012174, MONDO:0019200, OMIM 268000. Inheritance: Autosomal dominant, autosomal recessive and X linked inheritance.

Allele frequency attached by ClinVar (database versions not stated): TOPMed 0.00001.
gnomAD v4.1: 42 of 1,547,512 alleles (0.0027%); highest among the groups gnomAD compares: Non-Finnish European, 0.0029%; no homozygotes.

Submissions (2):

Labcorp Genetics (formerly Invitae), Labcorp
Classification: Uncertain significance. Last evaluated: 2022-02-10. Review status: criteria provided, single submitter. Criteria: Invitae Variant Classification Sherloc (09022015). Collection method: clinical testing. Allele origin: germline.
Comment: This sequence change replaces arginine, which is basic and polar, with leucine, which is neutral and non-polar, at codon 667 of the EYS protein (p.Arg667Leu). This variant is present in population databases (rs549456693, gnomAD 0.02%). This variant has not been reported in the literature in individuals affected with EYS-related conditions. ClinVar contains an entry for this variant (Variation ID: 357737). Algorithms developed to predict the effect of missense changes on protein structure and function (SIFT, PolyPhen-2, Align-GVGD) all suggest that this variant is likely to be tolerated. In summary, the available evidence is currently insufficient to determine the role of this variant in disease. Therefore, it has been classified as a Variant of Uncertain Significance.

Illumina Laboratory Services, Illumina
Classification: Uncertain significance for Retinitis pigmentosa. Last evaluated: 2018-01-13. Review status: criteria provided, single submitter. Criteria: ICSL Variant Classification Criteria 13 December 2019. Collection method: clinical testing. Allele origin: germline.